The following is an entry in ClinVar:

NM_001079843.3(CASZ1):c.2557G>A (p.Ala853Thr)

Gene: CASZ1 (castor zinc finger 1; minus strand). Cytogenetic location: 1p36.22.
Variant type: single nucleotide variant.
Coding change: c.2557G>A on transcript NM_001079843.3 (MANE Select); coding-DNA position 2557, G replaced by A.
Protein change: p.Ala853Thr; replaces alanine 853 with threonine.
Molecular consequence: missense variant.
Genome position (GRCh38, 1-based): chr1:10,653,500, C>T on the plus strand (G>A on the coding strand, the complement: CASZ1 is on the minus strand). VCF-style: chr1-10653500-C-T. GRCh37 (hg19) VCF-style: chr1-10713557-C-T.
Other names: c.2557G>A, p.Ala853Thr (NM_017766.5); short protein forms A853T.
Identifiers: ClinVar variation 3616800 (VCV003616800.3).

ClinVar aggregate classification (germline): Conflicting classifications of pathogenicity. Review status: criteria provided, conflicting classifications (1 of 4 stars). 2 submissions from 2 submitters: Uncertain significance (1); Likely benign (1). Last evaluated 2024-10-14.

gnomAD v4.1: 72 of 1,610,834 alleles (0.0045%); highest among the groups gnomAD compares: South Asian, 0.013%; no homozygotes.

Submissions (2):

Labcorp Genetics (formerly Invitae), Labcorp
Classification: Uncertain significance. Last evaluated: 2024-10-14. Review status: criteria provided, single submitter. Criteria: Invitae Variant Classification Sherloc (09022015). Collection method: clinical testing. Allele origin: germline.
Comment: This sequence change replaces alanine, which is neutral and non-polar, with threonine, which is neutral and polar, at codon 853 of the CASZ1 protein (p.Ala853Thr). This variant is present in population databases (rs576823495, gnomAD 0.02%). This variant has not been reported in the literature in individuals affected with CASZ1-related conditions. An algorithm developed to predict the effect of missense changes on protein structure and function outputs the following: PolyPhen-2: "Benign". The threonine amino acid residue is found in multiple mammalian species, which suggests that this missense change does not adversely affect protein function. In summary, the available evidence is currently insufficient to determine the role of this variant in disease. Therefore, it has been classified as a Variant of Uncertain Significance.

Blueprint Genetics
Classification: Likely benign. Last evaluated: 2021-07-29. Review status: criteria provided, single submitter. Criteria: ACMG Guidelines, 2015. Collection method: clinical testing. Allele origin: germline.